The following is an entry in ClinVar:

NM_000540.3(RYR1):c.8229C>T (p.Leu2743=)

Gene: RYR1 (ryanodine receptor 1; plus strand). Cytogenetic location: 19q13.2.
Variant type: single nucleotide variant.
Coding change: c.8229C>T on transcript NM_000540.3 (MANE Select); coding-DNA position 8229, C replaced by T.
Protein change: p.Leu2743=; no amino-acid change (leucine 2743 retained).
Molecular consequence: synonymous variant.
Genome position (GRCh38, 1-based): chr19:38,504,909, C>T. VCF-style: chr19-38504909-C-T. GRCh37 (hg19) VCF-style: chr19-38995549-C-T.
Other names: c.8229C>T, p.Leu2743= (NM_001042723.2).
Identifiers: ClinVar variation 2716739 (VCV002716739.4), dbSNP rs2514355307, ClinGen allele CA507354306.

ClinVar aggregate classification (germline): Likely benign. Review status: criteria provided, multiple submitters, no conflicts (2 of 4 stars). 2 submissions from 2 submitters: Likely benign (2). Last evaluated 2024-03-24.

Conditions:
Malignant hyperthermia, susceptibility to, 1 (MHS1). Also called: Anesthesia related hyperthermia; Malignant hyperpyrexia; Fulminating hyperpyrexia; Pharmacogenic myopathy; Malignant hyperthermia suceptibility 1; RYR1-Related Malignant Hyperthermia Susceptibility. Identifiers: Orphanet 423, MedGen C2930980, MONDO:0007783, OMIM 145600.
RYR1-related disorder. Also called: RYR1-related condition; RYR1-related disorders. Identifiers: MedGen CN239331.

Submissions (2):

All of Us Research Program, National Institutes of Health
Classification: Likely benign for Malignant hyperthermia, susceptibility to, 1. Last evaluated: 2024-03-24. Review status: criteria provided, single submitter. Criteria: ACMG Guidelines, 2015. Collection method: clinical testing. Allele origin: germline. Inheritance: Autosomal dominant inheritance. Observed: 1 variant allele, 1 heterozygote.
Comment: This study involves interpretation of variants in research participants for the purpose of population health screening. Participant phenotype was not available at the time of variant classification. Additional details can be found in publication PMID: 35346344, PMCID: PMC8962531

Labcorp Genetics (formerly Invitae), Labcorp
Classification: Likely benign for RYR1-related disorder. Last evaluated: 2022-12-29. Review status: criteria provided, single submitter. Criteria: Invitae Variant Classification Sherloc (09022015). Collection method: clinical testing. Allele origin: germline.